The following is an entry in ClinVar:

ClinVar aggregate classification (germline): Uncertain significance. Review status: criteria provided, multiple submitters, no conflicts (2 of 4 stars). 2 submissions from 2 submitters: Uncertain significance (2). Last evaluated 2024-05-27.

Conditions:
Primary ciliary dyskinesia. Also called: Ciliary dyskinesia. Identifiers: Orphanet 244, MedGen C0008780, MONDO:0016575, HP:0012265.

Allele frequency attached by ClinVar (database versions not stated): TOPMed below 0.00001; ExAC 0.00001; gnomAD exomes 0.00001.
gnomAD v4.1: 4 of 1,613,398 alleles (0.00025%); highest among the groups gnomAD compares: Non-Finnish European, 0.00025%; no homozygotes.

Submissions (2):

Labcorp Genetics (formerly Invitae), Labcorp
Classification: Uncertain significance for Primary ciliary dyskinesia. Last evaluated: 2024-05-27. Review status: criteria provided, single submitter. Criteria: Invitae Variant Classification Sherloc (09022015). Collection method: clinical testing. Allele origin: germline.
Comment: This sequence change replaces serine, which is neutral and polar, with asparagine, which is neutral and polar, at codon 447 of the CCDC114 protein (p.Ser447Asn). This variant is present in population databases (rs765137896, gnomAD 0.002%). This variant has not been reported in the literature in individuals affected with CCDC114-related conditions. ClinVar contains an entry for this variant (Variation ID: 2281373). Algorithms developed to predict the effect of missense changes on protein structure and function output the following: SIFT: "Not Available"; PolyPhen-2: "Benign"; Align-GVGD: "Not Available". The asparagine amino acid residue is found in multiple mammalian species, which suggests that this missense change does not adversely affect protein function. In summary, the available evidence is currently insufficient to determine the role of this variant in disease. Therefore, it has been classified as a Variant of Uncertain Significance.

Ambry Genetics
Classification: Uncertain significance for Primary ciliary dyskinesia. Last evaluated: 2022-04-06. Review status: criteria provided, single submitter. Criteria: Ambry Variant Classification Scheme 2023. Collection method: clinical testing. Allele origin: germline.

NM_001364171.2(ODAD1):c.1451G>A (p.Ser484Asn)

Gene: ODAD1 (outer dynein arm docking complex subunit 1; minus strand). Cytogenetic location: 19q13.33.
Variant type: single nucleotide variant.
Coding change: c.1451G>A on transcript NM_001364171.2 (MANE Select); coding-DNA position 1451, G replaced by A.
Protein change: p.Ser484Asn; replaces serine 484 with asparagine.
Molecular consequence: missense variant.
Genome position (GRCh38, 1-based): chr19:48,298,051, C>T on the plus strand (G>A on the coding strand, the complement: ODAD1 is on the minus strand). VCF-style: chr19-48298051-C-T. GRCh37 (hg19) VCF-style: chr19-48801308-C-T.
Other names: c.1340G>A, p.Ser447Asn (NM_144577.4); short protein forms S484N, S447N.
Identifiers: ClinVar variation 2281373 (VCV002281373.4), dbSNP rs765137896, ClinGen allele CA9548690.